The following is an entry in ClinVar:

NM_015721.3(GEMIN4):c.2264C>T (p.Ser755Phe)

Gene: GEMIN4 (gem nuclear organelle associated protein 4; minus strand). Cytogenetic location: 17p13.3.
Variant type: single nucleotide variant.
Coding change: c.2264C>T on transcript NM_015721.3 (MANE Select); coding-DNA position 2264, C replaced by T.
Protein change: p.Ser755Phe; replaces serine 755 with phenylalanine.
Molecular consequence: missense variant.
Genome position (GRCh38, 1-based): chr17:745,779, G>A on the plus strand (C>T on the coding strand, the complement: GEMIN4 is on the minus strand). VCF-style: chr17-745779-G-A. GRCh37 (hg19) VCF-style: chr17-649019-G-A.
Other names: short protein forms S755F.
Identifiers: ClinVar variation 1027999 (VCV001027999.3), dbSNP rs369869667, ClinGen allele CA8262448.
Genomic context (GRCh38, chr17:745,779, plus strand): 5'-TTCAGCCTCAGGCCCACAGTCCAGTCTAGCTGTTCTAACTTGCGGTGGAGCCAGGACAGG[G>A]ACTTGATCCAGACATCCGGGGAGAAGGTCTCAGCATTGGCTGATACAATCTCACACAGGA-3'
Protein context (NP_056536.2, residues 745-765): ETFSPDVWIK[Ser755Phe]LSWLHRKLEQ

ClinVar aggregate classification (germline): Uncertain significance. Review status: criteria provided, multiple submitters, no conflicts (2 of 4 stars). 2 submissions from 2 submitters: Uncertain significance (2). Last evaluated 2021-01-15.

Conditions:
Neurodevelopmental disorder with microcephaly, cataracts, and renal abnormalities. Identifiers: MedGen C4693567, MONDO:0060664, OMIM 617913.

Allele frequency attached by ClinVar (database versions not stated): gnomAD exomes below 0.00001; ExAC 0.00001; gnomAD 0.00001; TOPMed 0.00001; ESP Exome Variant Server 0.00008.

Submissions (2):

GeneDx
Classification: Uncertain significance. Last evaluated: 2021-01-15. Review status: criteria provided, single submitter. Criteria: GeneDx Variant Classification Process June 2021. Collection method: clinical testing. Allele origin: germline. Affected: yes.
Comment: Not observed at a significant frequency in large population cohorts (Lek et al., 2016); In silico analysis supports that this missense variant has a deleterious effect on protein structure/function; Has not been previously published as pathogenic or benign to our knowledge

Baylor Genetics
Classification: Uncertain significance for Neurodevelopmental disorder with microcephaly, cataracts, and renal abnormalities. Last evaluated: 2019-11-22. Review status: criteria provided, single submitter. Criteria: ACMG Guidelines, 2015. Collection method: clinical testing. Allele origin: unknown. Affected: yes.
Comment: This variant was determined to be of uncertain significance according to ACMG Guidelines, 2015 [PMID:25741868].